The following is an entry in ClinVar:

ClinVar aggregate classification (germline): Conflicting classifications of pathogenicity. Review status: criteria provided, conflicting classifications (1 of 4 stars). 3 submissions from 3 submitters: Uncertain significance (1); Likely benign (1). 1 of the submissions does not count toward it. Last evaluated 2024-02-23.

Conditions:
TG-related disorder. Also called: TG-related condition; TG-related disorders.
Iodotyrosyl coupling defect (TDH3). Also called: HYPOTHYROIDISM, CONGENITAL, DUE TO DYSHORMONOGENESIS, 3; THYROID HORMONOGENESIS, GENETIC DEFECT IN, 3. Identifiers: Orphanet 95716, MedGen C0342194, MONDO:0010135, OMIM 274700.

Allele frequency attached by ClinVar (database versions not stated): gnomAD 0.00003; TOPMed 0.00004.
gnomAD v4.1: 22 of 1,613,976 alleles (0.0014%); highest among the groups gnomAD compares: East Asian, 0.045%; no homozygotes.

Submissions (3):

Labcorp Genetics (formerly Invitae), Labcorp
Classification: Likely benign. Last evaluated: 2024-02-23. Review status: criteria provided, single submitter. Criteria: Invitae Variant Classification Sherloc (09022015). Collection method: clinical testing. Allele origin: germline.

Illumina Laboratory Services, Illumina
Classification: Uncertain significance for Iodotyrosyl coupling defect. Last evaluated: 2018-01-13. Review status: criteria provided, single submitter. Criteria: ICSL Variant Classification Criteria 13 December 2019. Collection method: clinical testing. Allele origin: germline.

PreventionGenetics, part of Exact Sciences
Classification: Likely benign for TG-related condition. Last evaluated: 2019-03-29. Review status: no assertion criteria provided. Collection method: clinical testing. Allele origin: germline. Not counted in ClinVar's aggregate classification.
Comment: This variant is classified as likely benign based on ACMG/AMP sequence variant interpretation guidelines (Richards et al. 2015 PMID: 25741868, with internal and published modifications).

NM_003235.5(TG):c.4713T>C (p.Phe1571=)

Gene: TG (thyroglobulin; plus strand). Cytogenetic location: 8q24.22.
Variant type: single nucleotide variant.
Coding change: c.4713T>C on transcript NM_003235.5 (MANE Select); coding-DNA position 4713, T replaced by C.
Protein change: p.Phe1571=; no amino-acid change (phenylalanine 1571 retained).
Molecular consequence: synonymous variant.
Genome position (GRCh38, 1-based): chr8:132,929,089, T>C. VCF-style: chr8-132929089-T-C. GRCh37 (hg19) VCF-style: chr8-133941334-T-C.
Identifiers: ClinVar variation 361965 (VCV000361965.9), dbSNP rs755948833, ClinGen allele CA4884234.